The following is an entry in ClinVar:

ClinVar aggregate classification (germline): Uncertain significance (1 of 4 stars; one submission).

Submission:

Ambry Genetics
Classification: Uncertain significance. Last evaluated: 2023-12-02. Review status: criteria provided, single submitter. Criteria: Ambry Variant Classification Scheme 2023. Collection method: clinical testing. Allele origin: germline.
Comment: The p.Y434S variant (also known as c.1301A>C), located in coding exon 12 of the A2ML1 gene, results from an A to C substitution at nucleotide position 1301. The tyrosine at codon 434 is replaced by serine, an amino acid with dissimilar properties. This amino acid position is conserved. In addition, this alteration is predicted to be tolerated by in silico analysis. Since supporting evidence is limited at this time, the clinical significance of this alteration remains unclear.

NM_144670.6(A2ML1):c.1301A>C (p.Tyr434Ser)

Gene: A2ML1 (alpha-2-macroglobulin like 1; plus strand). Cytogenetic location: 12p13.31.
Variant type: single nucleotide variant.
Coding change: c.1301A>C on transcript NM_144670.6 (MANE Select); coding-DNA position 1301, A replaced by C.
Protein change: p.Tyr434Ser; replaces tyrosine 434 with serine.
Molecular consequence: missense variant.
Genome position (GRCh38, 1-based): chr12:8,843,186, A>C. VCF-style: chr12-8843186-A-C. GRCh37 (hg19) VCF-style: chr12-8995782-A-C.
Other names: short protein forms Y434S.
Identifiers: ClinVar variation 3229185 (VCV003229185.1), dbSNP rs2539225376, ClinGen allele CA383824938.